The following is an entry in ClinVar:

NM_000492.4(CFTR):c.1543T>G (p.Tyr515Asp)

Genes: CFTR (CF transmembrane conductance regulator; plus strand), CFTR-AS1 (CFTR antisense RNA 1; minus strand). Cytogenetic location: 7q31.2.
Variant type: single nucleotide variant.
Coding change: c.1543T>G on transcript NM_000492.4 (MANE Select); coding-DNA position 1543, T replaced by G.
Protein change: p.Tyr515Asp; replaces tyrosine 515 with aspartic acid.
Molecular consequence: missense variant.
Genome position (GRCh38, 1-based): chr7:117,559,614, T>G. VCF-style: chr7-117559614-T-G. GRCh37 (hg19) VCF-style: chr7-117199668-T-G.
Other names: short protein forms Y515D.
Identifiers: ClinVar variation 1774894 (VCV001774894.3), dbSNP rs778175128, ClinGen allele CA368984829.

ClinVar aggregate classification (germline): Uncertain significance (1 of 4 stars; one submission).

Conditions:
Cystic fibrosis (CF). Also called: MUCOVISCIDOSIS. Identifiers: Orphanet 586, MedGen C0010674, MONDO:0009061, OMIM 219700. Disease mechanism: loss of function.

Submission:

Ambry Genetics
Classification: Uncertain significance for Cystic fibrosis. Last evaluated: 2024-03-25. Review status: criteria provided, single submitter. Criteria: Ambry Variant Classification Scheme 2023. Collection method: clinical testing. Allele origin: germline.
Comment: The p.Y515D variant (also known as c.1543T>G), located in coding exon 11 of the CFTR gene, results from a T to G substitution at nucleotide position 1543. The tyrosine at codon 515 is replaced by aspartic acid, an amino acid with highly dissimilar properties. This amino acid position is well conserved in available vertebrate species. In addition, the in silico prediction for this alteration is inconclusive. Since supporting evidence is limited at this time, the clinical significance of this alteration remains unclear.